The following is an entry in ClinVar:

ClinVar aggregate classification (germline): Uncertain significance (1 of 4 stars; one submission).

Conditions:
Aortic valve disease 1 (AOVD1). Identifiers: MedGen C3887892, MONDO:0024523, OMIM 109730.
Adams-Oliver syndrome 5 (AOS5). Identifiers: Orphanet 974, MedGen C4014970, MONDO:0014459, OMIM 616028.

Submission:

Juno Genomics, Hangzhou Juno Genomics, Inc
Classification: Uncertain significance for Adams-Oliver syndrome 5; Aortic valve disease 1. Review status: criteria provided, single submitter. Criteria: ACMG Guidelines, 2015. Collection method: clinical testing. Allele origin: germline. Affected: yes.
Comment: Absent from controls (or at extremely low frequency if recessive) in Genome Aggregation Database, Exome Sequencing Project, 1000 Genomes Project, or Exome Aggregation Consortium.;De novo (both maternity and paternity confirmed) in a patient with the disease and no family history.;Multiple lines of computational evidence support a deleterious effect on the gene or gene product (conservation, evolutionary, splicing impact, etc).;Missense variant in a gene that has a low rate of benign missense variation and where missense variants are a common mechanism of disease.

NM_017617.5(NOTCH1):c.1110C>G (p.Cys370Trp)

Gene: NOTCH1 (notch receptor 1; minus strand). Cytogenetic location: 9q34.3.
Variant type: single nucleotide variant.
Coding change: c.1110C>G on transcript NM_017617.5 (MANE Select); coding-DNA position 1110, C replaced by G.
Protein change: p.Cys370Trp; replaces cysteine 370 with tryptophan.
Molecular consequence: missense variant.
Genome position (GRCh38, 1-based): chr9:136,518,282, G>C on the plus strand (C>G on the coding strand, the complement: NOTCH1 is on the minus strand). VCF-style: chr9-136518282-G-C. GRCh37 (hg19) VCF-style: chr9-139412734-G-C.
Other names: short protein forms C370W.
Identifiers: ClinVar variation 4796526 (VCV004796526.1).